The following is an entry in ClinVar:

ClinVar aggregate classification (germline): Uncertain significance. Review status: criteria provided, multiple submitters, no conflicts (2 of 4 stars). 2 submissions from 2 submitters: Uncertain significance (2). Last evaluated 2023-12-28.

Conditions:
Cardiovascular phenotype. Identifiers: MedGen CN230736.
Long QT syndrome (LQTS). Identifiers: MedGen C0023976, MeSH D008133, MONDO:0002442. Disease mechanism: loss of function. Inheritance: Various modes of inheritance.

Allele frequency attached by ClinVar (database versions not stated): TOPMed below 0.00001; gnomAD 0.00001; gnomAD exomes 0.00001 and 0.00003.
gnomAD v4.1: 47 of 1,613,902 alleles (0.0029%); highest among the groups gnomAD compares: Non-Finnish European, 0.0037%; no homozygotes.

Submissions (2):

Ambry Genetics
Classification: Uncertain significance for Cardiovascular phenotype. Last evaluated: 2023-12-28. Review status: criteria provided, single submitter. Criteria: Ambry Variant Classification Scheme 2023. Collection method: clinical testing. Allele origin: germline.

Labcorp Genetics (formerly Invitae), Labcorp
Classification: Uncertain significance for Long QT syndrome. Last evaluated: 2023-12-11. Review status: criteria provided, single submitter. Criteria: Invitae Variant Classification Sherloc (09022015). Collection method: clinical testing. Allele origin: germline.
Comment: This sequence change replaces glycine, which is neutral and non-polar, with aspartic acid, which is acidic and polar, at codon 2792 of the ANK2 protein (p.Gly2792Asp). This variant is present in population databases (no rsID available, gnomAD 0.003%). This variant has not been reported in the literature in individuals affected with ANK2-related conditions. ClinVar contains an entry for this variant (Variation ID: 959926). Algorithms developed to predict the effect of missense changes on protein structure and function output the following: SIFT: "Not Available"; PolyPhen-2: "Benign"; Align-GVGD: "Not Available". The aspartic acid amino acid residue is found in multiple mammalian species, which suggests that this missense change does not adversely affect protein function. In summary, the available evidence is currently insufficient to determine the role of this variant in disease. Therefore, it has been classified as a Variant of Uncertain Significance.

NM_001148.6(ANK2):c.8375G>A (p.Gly2792Asp)

Gene: ANK2 (ankyrin 2; plus strand). Cytogenetic location: 4q26.
Variant type: single nucleotide variant.
Coding change: c.8375G>A on transcript NM_001148.6 (MANE Select); coding-DNA position 8375, G replaced by A.
Protein change: p.Gly2792Asp; replaces glycine 2792 with aspartic acid.
Molecular consequence: missense variant. On other transcripts: intron variant (68).
Genome position (GRCh38, 1-based): chr4:113,356,993, G>A. VCF-style: chr4-113356993-G-A. GRCh37 (hg19) VCF-style: chr4-114278149-G-A.
Other names: c.8141G>A, p.Gly2714Asp (NM_001386142.1); c.4775G>A, p.Gly1592Asp (NM_001386166.1); c.8516G>A, p.Gly2839Asp (NM_001386174.1); c.8492G>A, p.Gly2831Asp (NM_001386175.1); c.4412-3830G>A (NM_001386186.2, NM_001386148.2); c.4214-3830G>A (NM_001354269.3); c.4292-3830G>A (NM_001386187.2); c.4253-3830G>A (NM_001386147.1); and 35 more; short protein forms G2792D, G1592D, G2714D, G2831D, G2839D.
Identifiers: ClinVar variation 959926 (VCV000959926.8), dbSNP rs957787977, ClinGen allele CA103816058.